The following is an entry in ClinVar:

NM_001291867.2(NHS):c.841C>T (p.His281Tyr)

Gene: NHS (NHS actin remodeling regulator; plus strand). Cytogenetic location: Xp22.13.
Variant type: single nucleotide variant.
Coding change: c.841C>T on transcript NM_001291867.2 (MANE Select); coding-DNA position 841, C replaced by T.
Protein change: p.His281Tyr; replaces histidine 281 with tyrosine.
Molecular consequence: missense variant.
Genome position (GRCh38, 1-based): chrX:17,692,457, C>T. VCF-style: chrX-17692457-C-T. GRCh37 (hg19) VCF-style: chrX-17710577-C-T.
Other names: c.310C>T, p.His104Tyr (NM_001136024.4, NM_001291868.2); c.841C>T, p.His281Tyr (NM_198270.4); short protein forms H104Y, H281Y.
Identifiers: ClinVar variation 3764301 (VCV003764301.2).

ClinVar aggregate classification (germline): Uncertain significance (1 of 4 stars; one submission).

Submission:

GeneDx
Classification: Uncertain significance. Last evaluated: 2026-04-15. Review status: criteria provided, single submitter. Criteria: GeneDx Variant Classification Process June 2021. Collection method: clinical testing. Allele origin: germline.
Comment: Not observed at significant frequency in large population cohorts (gnomAD); In silico analysis suggests that this missense variant does not alter protein structure/function; Has not been previously published as pathogenic or benign to our knowledge